The following is an entry in ClinVar:

NM_006651.4(CPLX1):c.294G>A (p.Lys98=)

Gene: CPLX1 (complexin 1; minus strand). Cytogenetic location: 4p16.3.
Variant type: single nucleotide variant.
Coding change: c.294G>A on transcript NM_006651.4 (MANE Select); coding-DNA position 294, G replaced by A.
Protein change: p.Lys98=; no amino-acid change (lysine 98 retained).
Molecular consequence: synonymous variant.
Genome position (GRCh38, 1-based): chr4:786,612, C>T on the plus strand (G>A on the coding strand, the complement: CPLX1 is on the minus strand). VCF-style: chr4-786612-C-T. GRCh37 (hg19) VCF-style: chr4-780400-C-T.
Identifiers: ClinVar variation 3778453 (VCV003778453.7).
Genomic context (GRCh38, chr4:786,612, plus strand): 5'-GTCCAGGATGCTCTCGTCCTCCTCCTCCACCTCGTCCCCGCAGCCCGGCGGGATGGCCTT[C>T]TTGGGCCGCGTCAAGCTCCCCTCGGAGTTGGCCTCCATGGCGGCCTGGGCCTCGGCCTCG-3'
Protein context (NP_006642.1, residues 88-108): ANSEGSLTRP[Lys98=]KAIPPGCGDE

ClinVar aggregate classification (germline): Likely benign (1 of 4 stars; one submission).

Submission:

CeGaT Center for Human Genetics Tuebingen
Classification: Likely benign. Last evaluated: 2025-03-01. Review status: criteria provided, single submitter. Criteria: CeGaT Center For Human Genetics Tuebingen Variant Classification Criteria Version 2. Collection method: clinical testing. Allele origin: germline. Affected: yes. Observed: 1 variant allele.
Comment: CPLX1: BP4, BP7